The following is an entry in ClinVar:

ClinVar aggregate classification (germline): Likely benign (0 of 4 stars; one submission).

Conditions:
PKD1-related disorder. Also called: PKD1-related condition.

Allele frequency attached by ClinVar (database versions not stated): TOPMed 0.00003.
gnomAD v4.1: 2 of 1,339,922 alleles (0.00015%); highest among the groups gnomAD compares: East Asian, 0.0066%; no homozygotes.

Submission:

PreventionGenetics, part of Exact Sciences
Classification: Likely benign for PKD1-related condition. Last evaluated: 2023-03-27. Review status: no assertion criteria provided. Collection method: clinical testing. Allele origin: germline.
Comment: This variant is classified as likely benign based on ACMG/AMP sequence variant interpretation guidelines (Richards et al. 2015 PMID: 25741868, with internal and published modifications).

NM_001009944.3(PKD1):c.11713-26C>T

Gene: PKD1 (polycystin 1, transient receptor potential channel interacting; minus strand). Cytogenetic location: 16p13.3.
Variant type: single nucleotide variant.
Coding change: c.11713-26C>T on transcript NM_001009944.3 (MANE Select); 26 bases into the intron before coding-DNA position 11713, C replaced by T.
Molecular consequence: intron variant.
Genome position (GRCh38, 1-based): chr16:2,091,200, G>A on the plus strand (C>T on the coding strand, the complement: PKD1 is on the minus strand). VCF-style: chr16-2091200-G-A. GRCh37 (hg19) VCF-style: chr16-2141201-G-A.
Other names: c.11710-26C>T (NM_000296.4).
Identifiers: ClinVar variation 3029649 (VCV003029649.2), dbSNP rs773610869, ClinGen allele CA7829002.